The following is an entry in ClinVar:

ClinVar aggregate classification (germline): Uncertain significance. Review status: criteria provided, multiple submitters, no conflicts (2 of 4 stars). 3 submissions from 3 submitters: Uncertain significance (3). Last evaluated 2026-02-02.

Conditions:
Congenital contractural arachnodactyly (CCA). Also called: Beals-Hecht syndrome; BEALS SYNDROME; Arthrogryposis, distal, type 9. Identifiers: Orphanet 115, MedGen C0220668, MONDO:0007363, OMIM 121050.

Submissions (3):

Clinical Genomics Laboratory, Washington University in St. Louis
Classification: Uncertain significance for Congenital contractural arachnodactyly. Last evaluated: 2026-02-02. Review status: criteria provided, single submitter. Criteria: ACMG Guidelines, 2015. Collection method: clinical testing. Allele origin: germline.
Comment: A missense FBN2 c.6780C>A (p.Asn2260Lys) variant was identified in a heterozygous state. This variant, to our knowledge, has not been reported in the medical literature. It is absent from the general population (gnomAD v2.1.1), indicating it is not a common variant. Due to limited information, the clinical significance of this variant is uncertain.

CeGaT Center for Human Genetics Tuebingen
Classification: Uncertain significance. Last evaluated: 2025-12-01. Review status: criteria provided, single submitter. Criteria: CeGaT Center For Human Genetics Tuebingen Variant Classification Criteria Version 2. Collection method: clinical testing. Allele origin: germline. Affected: yes. Observed: 1 variant allele.
Comment: FBN2: PM2, PP2, PP3

Labcorp Genetics (formerly Invitae), Labcorp
Classification: Uncertain significance for Congenital contractural arachnodactyly. Last evaluated: 2024-02-23. Review status: criteria provided, single submitter. Criteria: Invitae Variant Classification Sherloc (09022015). Collection method: clinical testing. Allele origin: germline.
Comment: This sequence change replaces asparagine, which is neutral and polar, with lysine, which is basic and polar, at codon 2260 of the FBN2 protein (p.Asn2260Lys). This variant is not present in population databases (gnomAD no frequency). This variant has not been reported in the literature in individuals affected with FBN2-related conditions. Advanced modeling of protein sequence and biophysical properties (such as structural, functional, and spatial information, amino acid conservation, physicochemical variation, residue mobility, and thermodynamic stability) performed at Invitae indicates that this missense variant is not expected to disrupt FBN2 protein function with a negative predictive value of 80%. In summary, the available evidence is currently insufficient to determine the role of this variant in disease. Therefore, it has been classified as a Variant of Uncertain Significance.

NM_001999.4(FBN2):c.6780C>A (p.Asn2260Lys)

Gene: FBN2 (fibrillin 2; minus strand). Cytogenetic location: 5q23.3.
Variant type: single nucleotide variant.
Coding change: c.6780C>A on transcript NM_001999.4 (MANE Select); coding-DNA position 6780, C replaced by A.
Protein change: p.Asn2260Lys; replaces asparagine 2260 with lysine.
Molecular consequence: missense variant.
Genome position (GRCh38, 1-based): chr5:128,287,408, G>T on the plus strand (C>A on the coding strand, the complement: FBN2 is on the minus strand). VCF-style: chr5-128287408-G-T. GRCh37 (hg19) VCF-style: chr5-127623100-G-T.
Other names: short protein forms N2260K.
Identifiers: ClinVar variation 3700493 (VCV003700493.8).